The following is an entry in ClinVar:

ClinVar aggregate classification (germline): Uncertain significance (1 of 4 stars; one submission).

Conditions:
Inborn genetic diseases. Identifiers: MedGen C0950123, MeSH D030342.

gnomAD v4.1: 4 of 1,614,070 alleles (0.00025%); highest among the groups gnomAD compares: African/African-American, 0.0013%; no homozygotes.

Submission:

Ambry Genetics
Classification: Uncertain significance for Inborn genetic diseases. Last evaluated: 2024-03-19. Review status: criteria provided, single submitter. Criteria: Ambry Variant Classification Scheme 2023. Collection method: clinical testing. Allele origin: germline.
Comment: The p.A660G variant (also known as c.1979C>G), located in coding exon 21 of the ERCC2 gene, results from a C to G substitution at nucleotide position 1979. The alanine at codon 660 is replaced by glycine, an amino acid with similar properties. This amino acid position is conserved. In addition, this alteration is predicted to be deleterious by in silico analysis. Based on the available evidence, the clinical significance of this alteration remains unclear.

NM_000400.4(ERCC2):c.1979C>G (p.Ala660Gly)

Gene: ERCC2 (ERCC excision repair 2, TFIIH core complex helicase subunit; minus strand). Cytogenetic location: 19q13.32.
Variant type: single nucleotide variant.
Coding change: c.1979C>G on transcript NM_000400.4 (MANE Select); coding-DNA position 1979, C replaced by G.
Protein change: p.Ala660Gly; replaces alanine 660 with glycine.
Molecular consequence: missense variant.
Genome position (GRCh38, 1-based): chr19:45,352,573, G>C on the plus strand (C>G on the coding strand, the complement: ERCC2 is on the minus strand). VCF-style: chr19-45352573-G-C. GRCh37 (hg19) VCF-style: chr19-45855831-G-C.
Other names: short protein forms A660G.
Identifiers: ClinVar variation 3276250 (VCV003276250.1).